The following is an entry in ClinVar:

NM_015466.4(PTPN23):c.4192C>T (p.Arg1398Cys)

Gene: PTPN23 (protein tyrosine phosphatase non-receptor type 23; plus strand). Cytogenetic location: 3p21.31.
Variant type: single nucleotide variant.
Coding change: c.4192C>T on transcript NM_015466.4 (MANE Select); coding-DNA position 4192, C replaced by T.
Protein change: p.Arg1398Cys; replaces arginine 1398 with cysteine.
Molecular consequence: missense variant.
Genome position (GRCh38, 1-based): chr3:47,412,296, C>T. VCF-style: chr3-47412296-C-T. GRCh37 (hg19) VCF-style: chr3-47453786-C-T.
Other names: c.3814C>T, p.Arg1272Cys (NM_001304482.2); short protein forms R1272C, R1398C.
Identifiers: ClinVar variation 4687028 (VCV004687028.2).
Genomic context (GRCh38, chr3:47,412,296, plus strand): 5'-CTTGGCCTAGCCTCATACCCCGGCCTCATAACCCCTTCTTGGCACAGCTCTGGTGTGGGC[C>T]GCACGGGAGCCTTTGCACTGCTCTATGCAGCTGTGCAGGAGGTGGAGGCTGGGAACGGAA-3'
Protein context (NP_056281.1, residues 1388-1408): IIVHCSSGVG[Arg1398Cys]TGAFALLYAA

ClinVar aggregate classification (germline): Likely pathogenic (1 of 4 stars; one submission).

gnomAD v4.1: 7 of 1,613,124 alleles (0.00043%); highest among the groups gnomAD compares: Non-Finnish European, 0.00042%; no homozygotes.

Submission:

GeneDx
Classification: Likely pathogenic. Last evaluated: 2026-05-20. Review status: criteria provided, single submitter. Criteria: GeneDx Variant Classification Process June 2021. Collection method: clinical testing. Allele origin: germline.
Comment: Not observed at significant frequency in large population cohorts (gnomAD); In silico analysis supports that this missense variant has a deleterious effect on protein structure/function; Has not been previously published as pathogenic or benign to our knowledge